The following is an entry in ClinVar:

ClinVar aggregate classification (germline): Pathogenic (1 of 4 stars; one submission).

Submission:

Clinical Genomics Laboratory, Laboratory for Precision Diagnostics, University of Washington
Classification: Pathogenic. Last evaluated: 2023-08-29. Review status: criteria provided, single submitter. Criteria: ACMG/ClinGen CNV Guidelines, 2019. Collection method: clinical testing. Allele origin: de novo. Affected: yes. Observed: 1 variant allele.
Comment: This is the atypical nested deletion of LCR22A-C found in about 2% of people with 22q11.2 deletion syndrome

Literature cited by the submitters: PubMed 25962607.

GRCh38/hg38 22q11.21(chr22:18857119-20671444)x1

Genes: ARVCF (ARVCF delta catenin family member; minus strand), C22orf39 (chromosome 22 open reading frame 39; minus strand), CCDC188 (coiled-coil domain containing 188; minus strand), CDC45 (cell division cycle 45; plus strand), CLDN5 (claudin 5; minus strand) and 134 more. Cytogenetic location: 22q11.21.
Variant type: copy number loss.
Change: copy number 1 (one copy instead of two) of chr22:18,857,119-20,671,444 (1.81 Mb, GRCh38 coordinates, 1-based), cytogenetic band 22q11.21.
Identifiers: ClinVar variation 4890940 (VCV004890940.1).